The following is an entry in ClinVar:

NM_145045.5(ODAD3):c.1107C>G (p.Asp369Glu)

Gene: ODAD3 (outer dynein arm docking complex subunit 3; minus strand). Cytogenetic location: 19p13.2.
Variant type: single nucleotide variant.
Coding change: c.1107C>G on transcript NM_145045.5 (MANE Select); coding-DNA position 1107, C replaced by G.
Protein change: p.Asp369Glu; replaces aspartic acid 369 with glutamic acid.
Molecular consequence: missense variant.
Genome position (GRCh38, 1-based): chr19:11,423,886, G>C on the plus strand (C>G on the coding strand, the complement: ODAD3 is on the minus strand). VCF-style: chr19-11423886-G-C. GRCh37 (hg19) VCF-style: chr19-11534555-G-C.
Other names: c.945C>G, p.Asp315Glu (NM_001302453.1); c.927C>G, p.Asp309Glu (NM_001302454.2); c.1107C>G (NM_145045.4); short protein forms D309E, D315E, D369E.
Identifiers: ClinVar variation 2078486 (VCV002078486.5), dbSNP rs751506622, ClinGen allele CA9212142.

ClinVar aggregate classification (germline): Uncertain significance. Review status: criteria provided, multiple submitters, no conflicts (2 of 4 stars). 2 submissions from 2 submitters: Uncertain significance (2). Last evaluated 2025-11-12.

Conditions:
Inborn genetic diseases. Identifiers: MedGen C0950123, MeSH D030342.
Primary ciliary dyskinesia 30. Also called: CILIARY DYSKINESIA, PRIMARY, 30, WITH OR WITHOUT SITUS INVERSUS. Identifiers: Orphanet 244, MedGen C4015016, MONDO:0014465, OMIM 616037.

Allele frequency attached by ClinVar (database versions not stated): ExAC 0.00001.
gnomAD v4.1: 5 of 1,611,068 alleles (0.00031%); highest among the groups gnomAD compares: Admixed American, 0.005%; no homozygotes.

Submissions (2):

Ambry Genetics
Classification: Uncertain significance for Inborn genetic diseases. Last evaluated: 2025-11-12. Review status: criteria provided, single submitter. Criteria: Ambry Variant Classification Scheme 2023. Collection method: clinical testing. Allele origin: germline.

Labcorp Genetics (formerly Invitae), Labcorp
Classification: Uncertain significance for Primary ciliary dyskinesia 30. Last evaluated: 2022-06-15. Review status: criteria provided, single submitter. Criteria: Invitae Variant Classification Sherloc (09022015). Collection method: clinical testing. Allele origin: germline.
Comment: This sequence change replaces aspartic acid, which is acidic and polar, with glutamic acid, which is acidic and polar, at codon 369 of the CCDC151 protein (p.Asp369Glu). This variant is present in population databases (rs751506622, gnomAD 0.009%). This variant has not been reported in the literature in individuals affected with CCDC151-related conditions. Algorithms developed to predict the effect of missense changes on protein structure and function (SIFT, PolyPhen-2, Align-GVGD) all suggest that this variant is likely to be tolerated. In summary, the available evidence is currently insufficient to determine the role of this variant in disease. Therefore, it has been classified as a Variant of Uncertain Significance.